The following is an entry in ClinVar:

ClinVar aggregate classification (germline): Uncertain significance. Review status: criteria provided, multiple submitters, no conflicts (2 of 4 stars). 3 submissions from 3 submitters: Uncertain significance (2). 1 of the submissions does not count toward it. Last evaluated 2021-12-20.

Conditions:
Schimke immuno-osseous dysplasia (SIOD). Also called: Schimke Immunoosseous Dysplasia. Identifiers: Orphanet 1830, MedGen C0877024, MONDO:0009458, OMIM 242900.

Allele frequency attached by ClinVar (database versions not stated): TOPMed 0.00001; ExAC 0.00002; gnomAD exomes 0.00004; 1000 Genomes Project 30x 0.00016; 1000 Genomes Project 0.00020.
gnomAD v4.1: 34 of 1,614,040 alleles (0.0021%); highest among the groups gnomAD compares: Admixed American, 0.012%; no homozygotes.

Submissions (3):

Labcorp Genetics (formerly Invitae), Labcorp
Classification: Uncertain significance for Schimke immuno-osseous dysplasia. Last evaluated: 2021-12-20. Review status: criteria provided, single submitter. Criteria: Invitae Variant Classification Sherloc (09022015). Collection method: clinical testing. Allele origin: germline.
Comment: This sequence change replaces threonine, which is neutral and polar, with methionine, which is neutral and non-polar, at codon 592 of the SMARCAL1 protein (p.Thr592Met). This variant is present in population databases (rs199876834, gnomAD 0.01%). This variant has not been reported in the literature in individuals affected with SMARCAL1-related conditions. ClinVar contains an entry for this variant (Variation ID: 989501). Algorithms developed to predict the effect of missense changes on protein structure and function are either unavailable or do not agree on the potential impact of this missense change (SIFT: "Deleterious"; PolyPhen-2: "Probably Damaging"; Align-GVGD: "Class C15"). In summary, the available evidence is currently insufficient to determine the role of this variant in disease. Therefore, it has been classified as a Variant of Uncertain Significance.

Fulgent Genetics
Classification: Uncertain significance for Schimke immuno-osseous dysplasia. Last evaluated: 2021-08-12. Review status: criteria provided, single submitter. Criteria: ACMG Guidelines, 2015. Collection method: clinical testing. Allele origin: unknown.

Natera, Inc.
Classification: Uncertain significance for Schimke immuno-osseous dysplasia. Last evaluated: 2020-09-04. Review status: no assertion criteria provided. Collection method: clinical testing. Allele origin: germline. Not counted in ClinVar's aggregate classification.

NM_014140.4(SMARCAL1):c.1775C>T (p.Thr592Met)

Gene: SMARCAL1 (SNF2 related chromatin remodeling annealing helicase 1; plus strand). Cytogenetic location: 2q35.
Variant type: single nucleotide variant.
Coding change: c.1775C>T on transcript NM_014140.4 (MANE Select); coding-DNA position 1775, C replaced by T.
Protein change: p.Thr592Met; replaces threonine 592 with methionine.
Molecular consequence: missense variant.
Genome position (GRCh38, 1-based): chr2:216,447,082, C>T. VCF-style: chr2-216447082-C-T. GRCh37 (hg19) VCF-style: chr2-217311805-C-T.
Other names: c.1775C>T, p.Thr592Met (NM_001127207.2); short protein forms T592M.
Identifiers: ClinVar variation 989501 (VCV000989501.5), dbSNP rs199876834, ClinGen allele CA2098002.